The following is an entry in ClinVar:

NM_002907.4(RECQL):c.1040A>T (p.Asn347Ile)

Gene: RECQL (RecQ like helicase; minus strand). Cytogenetic location: 12p12.1.
Variant type: single nucleotide variant.
Coding change: c.1040A>T on transcript NM_002907.4 (MANE Select); coding-DNA position 1040, A replaced by T.
Protein change: p.Asn347Ile; replaces asparagine 347 with isoleucine.
Molecular consequence: missense variant.
Genome position (GRCh38, 1-based): chr12:21,475,734, T>A on the plus strand (A>T on the coding strand, the complement: RECQL is on the minus strand). VCF-style: chr12-21475734-T-A. GRCh37 (hg19) VCF-style: chr12-21628668-T-A.
Other names: c.1040A>T, p.Asn347Ile (NM_032941.3); short protein forms N347I.
Identifiers: ClinVar variation 3787908 (VCV003787908.1).

ClinVar aggregate classification (germline): Uncertain significance (1 of 4 stars; one submission).

Submission:

Ambry Genetics
Classification: Uncertain significance. Last evaluated: 2025-01-17. Review status: criteria provided, single submitter. Criteria: Ambry Variant Classification Scheme 2023. Collection method: clinical testing. Allele origin: germline.
Comment: The p.N347I variant (also known as c.1040A>T), located in coding exon 8 of the RECQL gene, results from an A to T substitution at nucleotide position 1040. The asparagine at codon 347 is replaced by isoleucine, an amino acid with dissimilar properties. This amino acid position is conserved. In addition, the in silico prediction for this alteration is inconclusive. Based on the available evidence, the clinical significance of this variant remains unclear.